The following is an entry in ClinVar:

ClinVar aggregate classification (germline): Uncertain significance. Review status: criteria provided, multiple submitters, no conflicts (2 of 4 stars). 2 submissions from 2 submitters: Uncertain significance (2). Last evaluated 2025-09-22.

Conditions:
Autosomal recessive severe congenital neutropenia due to CSF3R deficiency. Also called: Neutropenia, severe congenital, 7, autosomal recessive. Identifiers: Orphanet 420702, MedGen C4310764, MONDO:0014865, OMIM 617014.
Inborn genetic diseases. Identifiers: MedGen C0950123, MeSH D030342.

Allele frequency attached by ClinVar (database versions not stated): ExAC 0.00001; gnomAD 0.00001; TOPMed 0.00001; gnomAD exomes 0.00002; ESP Exome Variant Server 0.00008.
gnomAD v4.1: 36 of 1,614,044 alleles (0.0022%); highest among the groups gnomAD compares: Non-Finnish European, 0.003%; no homozygotes.

Submissions (2):

Labcorp Genetics (formerly Invitae), Labcorp
Classification: Uncertain significance for Autosomal recessive severe congenital neutropenia due to CSF3R deficiency. Last evaluated: 2025-09-22. Review status: criteria provided, single submitter. Criteria: Invitae Variant Classification Sherloc (09022015). Collection method: clinical testing. Allele origin: germline.
Comment: This sequence change replaces serine, which is neutral and polar, with glycine, which is neutral and non-polar, at codon 108 of the CSF3R protein (p.Ser108Gly). This variant is present in population databases (rs149231790, gnomAD 0.005%). This variant has not been reported in the literature in individuals affected with CSF3R-related conditions. ClinVar contains an entry for this variant (Variation ID: 1047779). An algorithm developed to predict the effect of missense changes on protein structure and function (PolyPhen-2) suggests that this variant is likely to be tolerated. In summary, the available evidence is currently insufficient to determine the role of this variant in disease. Therefore, it has been classified as a Variant of Uncertain Significance.

Ambry Genetics
Classification: Uncertain significance for Inborn genetic diseases. Last evaluated: 2023-07-14. Review status: criteria provided, single submitter. Criteria: Ambry Variant Classification Scheme 2023. Collection method: clinical testing. Allele origin: germline.

NM_000760.4(CSF3R):c.322A>G (p.Ser108Gly)

Gene: CSF3R (colony stimulating factor 3 receptor; minus strand). Cytogenetic location: 1p34.3.
Variant type: single nucleotide variant.
Coding change: c.322A>G on transcript NM_000760.4 (MANE Select); coding-DNA position 322, A replaced by G.
Protein change: p.Ser108Gly; replaces serine 108 with glycine.
Molecular consequence: missense variant.
Genome position (GRCh38, 1-based): chr1:36,475,416, T>C on the plus strand (A>G on the coding strand, the complement: CSF3R is on the minus strand). VCF-style: chr1-36475416-T-C. GRCh37 (hg19) VCF-style: chr1-36941017-T-C.
Other names: c.322A>G, p.Ser108Gly (NM_156039.3, NM_172313.3); c.322A>G (NM_000760.3); short protein forms S108G.
Identifiers: ClinVar variation 1047779 (VCV001047779.10), dbSNP rs149231790, ClinGen allele CA769514.